The following is an entry in ClinVar:

NM_000540.3(RYR1):c.2489_2490delinsC (p.Arg830fs)

Gene: RYR1 (ryanodine receptor 1; plus strand). Cytogenetic location: 19q13.2.
Variant type: Indel.
Coding change: c.2489_2490delinsC on transcript NM_000540.3 (MANE Select); coding-DNA positions 2489 to 2490, GG replaced by C.
Protein change: p.Arg830fs; shifts the reading frame from arginine 830.
Molecular consequence: frameshift variant.
Genome position (GRCh38, 1-based): chr19:38,460,503-38,460,504, GG replaced by C. VCF-style: chr19-38460503-GG-C. GRCh37 (hg19) VCF-style: chr19-38951143-GG-C.
Other names: c.2489_2490delinsC, p.Arg830fs (NM_001042723.2); short protein forms R830fs.
Identifiers: ClinVar variation 4757758 (VCV004757758.1).

ClinVar aggregate classification (germline): Uncertain significance (1 of 4 stars; one submission).

Conditions:
Malignant hyperthermia, susceptibility to, 1 (MHS1). Also called: RYR1-Related Malignant Hyperthermia Susceptibility; Malignant hyperthermia suceptibility 1; Anesthesia related hyperthermia; Malignant hyperpyrexia; Fulminating hyperpyrexia; Pharmacogenic myopathy. Identifiers: Orphanet 423, MedGen C2930980, MONDO:0007783, OMIM 145600.

Submission:

Color Diagnostics, LLC DBA Color Health
Classification: Uncertain significance for Malignant hyperthermia, susceptibility to, 1. Last evaluated: 2025-07-22. Review status: criteria provided, single submitter. Criteria: ACMG Guidelines, 2015. Collection method: clinical testing. Allele origin: germline.
Comment: This variant deletes 3 nucleotides in exon 20 of the RYR1 gene, creating a frameshift and premature translation stop signal. This variant is expected to result in an absent or non-functional protein product. To our knowledge, this variant has not been reported in individuals affected with RYR1-related disorders in the literature. This variant has not been identified in the general population by the Genome Aggregation Database (gnomAD). Loss of RYR1 function due to truncation variants is not an established disease mechanism for autosomal dominant malignant hyperthermia, although it is associated with other phenotype(s). Therefore, this variant is classified as a Variant of Uncertain Significance for autosomal dominant malignant hyperthermia.